The following is an entry in ClinVar:

ClinVar aggregate classification (germline): Uncertain significance. Review status: criteria provided, multiple submitters, no conflicts (2 of 4 stars). 5 submissions from 5 submitters: Uncertain significance (5). Last evaluated 2026-03-23.

Conditions:
RIPOR2-related disorder. Also called: RIPOR2-related condition.
Autosomal recessive nonsyndromic hearing loss 104. Also called: Deafness, autosomal recessive 104. Identifiers: Orphanet 90636, MedGen C4225298, MONDO:0014675, OMIM 616515.
Autosomal dominant nonsyndromic hearing loss 21. Also called: Deafness, autosomal dominant 21. Identifiers: Orphanet 90635, MedGen C1846922, MONDO:0011761, OMIM 607017.

Allele frequency attached by ClinVar (database versions not stated): ExAC 0.00014; gnomAD 0.00018 and 0.00020; TOPMed 0.00022; gnomAD exomes 0.00026 and 0.00033.
gnomAD v4.1: 484 of 1,551,212 alleles (0.031%); highest among the groups gnomAD compares: Admixed American, 0.043%; no homozygotes.

Submissions (6):

PreventionGenetics, part of Exact Sciences
Classification: Uncertain significance for RIPOR2-related condition. Last evaluated: 2026-03-23. Review status: criteria provided, single submitter. Criteria: ACMG Guidelines, 2015. Collection method: clinical testing. Allele origin: germline.
Comment: The RIPOR2 c.1226A>G variant is predicted to result in the amino acid substitution p.Tyr409Cys. To our knowledge, this variant has not been reported in the literature. This variant is reported in 0.051% of alleles in individuals of Latino descent in gnomAD. Although we suspect that this variant may be benign, at this time, the clinical significance of this variant is uncertain due to the absence of conclusive functional and genetic evidence.

GeneDx
Classification: Uncertain significance. Last evaluated: 2025-10-31. Review status: criteria provided, single submitter. Criteria: GeneDx Variant Classification Process June 2021. Collection method: clinical testing. Allele origin: germline.
Comment: In silico analysis suggests that this missense variant does not alter protein structure/function; Reported as an apparently de novo variant in a patient with primary complex motor stereotypies in published literature (PMID: 37788244); This variant is associated with the following publications: (PMID: 37788244)

Labcorp Genetics (formerly Invitae), Labcorp
Classification: Uncertain significance. Last evaluated: 2025-09-02. Review status: criteria provided, single submitter. Criteria: Invitae Variant Classification Sherloc (09022015). Collection method: clinical testing. Allele origin: germline.
Comment: This sequence change replaces tyrosine, which is neutral and polar, with cysteine, which is neutral and slightly polar, at codon 409 of the FAM65B protein (p.Tyr409Cys). This variant is present in population databases (rs745360194, gnomAD 0.05%). This variant has not been reported in the literature in individuals affected with FAM65B-related conditions. ClinVar contains an entry for this variant (Variation ID: 1680505). An algorithm developed to predict the effect of missense changes on protein structure and function (PolyPhen-2) suggests that this variant is likely to be disruptive. In summary, the available evidence is currently insufficient to determine the role of this variant in disease. Therefore, it has been classified as a Variant of Uncertain Significance.

Ambry Genetics
Classification: Uncertain significance. Last evaluated: 2025-04-12. Review status: criteria provided, single submitter. Criteria: Ambry Variant Classification Scheme 2023. Collection method: clinical testing. Allele origin: germline.

Fulgent Genetics
Classification: Uncertain significance for Autosomal dominant nonsyndromic hearing loss 21; Autosomal recessive nonsyndromic hearing loss 104. Last evaluated: 2022-01-19. Review status: criteria provided, single submitter. Criteria: ACMG Guidelines, 2015. Collection method: clinical testing. Allele origin: unknown.

Dr. Peter K. Rogan Lab, Western University
No classification provided (evidence only). Condition: Chronic lymphocytic leukemia/small lymphocytic lymphoma. Review status: no classification provided. Collection method: in vitro. Allele origin: not applicable. Functional consequence: retained intron. Not counted in ClinVar's aggregate classification.

NM_001286445.3(RIPOR2):c.1164+482A>G

Gene: RIPOR2 (RHO family interacting cell polarization regulator 2; minus strand). Cytogenetic location: 6p22.3.
Variant type: single nucleotide variant.
Coding change: c.1164+482A>G on transcript NM_001286445.3 (MANE Select); 482 bases into the intron after coding-DNA position 1164, A replaced by G.
Molecular consequence: intron variant. On other transcripts: missense variant (1).
Genome position (GRCh38, 1-based): chr6:24,847,543, T>C on the plus strand (A>G on the coding strand, the complement: RIPOR2 is on the minus strand). VCF-style: chr6-24847543-T-C. GRCh37 (hg19) VCF-style: chr6-24847771-T-C.
Other names: c.1226A>G (NM_014722.2, NM_014722.4, NM_014722.3); c.1226A>G, p.Tyr409Cys (NM_014722.5); c.1077+482A>G (NM_001346031.2, NM_001346032.2, NM_015864.5 and 1 more transcripts); c.1179+482A>G (NM_001286446.3); short protein forms Y409C.
Identifiers: ClinVar variation 1680505 (VCV001680505.14), dbSNP rs745360194, ClinGen allele CA3659301.